The following is an entry in ClinVar:

ClinVar aggregate classification (germline): Conflicting classifications of pathogenicity. Review status: criteria provided, conflicting classifications (1 of 4 stars). 2 submissions from 2 submitters: Uncertain significance (1); Likely benign (1). Last evaluated 2025-12-17.

Conditions:
Primary ciliary dyskinesia. Also called: Ciliary dyskinesia. Identifiers: Orphanet 244, MedGen C0008780, MONDO:0016575, HP:0012265.

Allele frequency attached by ClinVar (database versions not stated): gnomAD exomes below 0.00001; ExAC 0.00001.
gnomAD v4.1: 1 of 1,613,862 alleles (0.000062%); highest among the groups gnomAD compares: Non-Finnish European, 0.000085%; no homozygotes.

Submissions (3):

Labcorp Genetics (formerly Invitae), Labcorp
Classification: Likely benign for Primary ciliary dyskinesia. Last evaluated: 2025-12-17. Review status: criteria provided, single submitter. Criteria: Invitae Variant Classification Sherloc (09022015). Collection method: clinical testing. Allele origin: germline.

Ambry Genetics
Classification: Uncertain significance for Primary ciliary dyskinesia. Last evaluated: 2021-11-02. Review status: criteria provided, single submitter. Criteria: Ambry Variant Classification Scheme 2023. Collection method: clinical testing. Allele origin: germline.
Comment: The p.I2300V variant (also known as c.6898A>G), located in coding exon 42 of the DNAH11 gene, results from an A to G substitution at nucleotide position 6898. The isoleucine at codon 2300 is replaced by valine, an amino acid with highly similar properties. This amino acid position is conserved. In addition, this alteration is predicted to be tolerated by in silico analysis. Since supporting evidence is limited at this time, the clinical significance of this alteration remains unclear.

Dr. Peter K. Rogan Lab, Western University
No classification provided (evidence only). Condition: Lung cancer. Review status: no classification provided. Collection method: in vitro. Allele origin: not applicable. Functional consequence: retained intron. Not counted in ClinVar's aggregate classification.

NM_001277115.2(DNAH11):c.6898A>G (p.Ile2300Val)

Gene: DNAH11 (dynein axonemal heavy chain 11; plus strand). Cytogenetic location: 7p15.3.
Variant type: single nucleotide variant.
Coding change: c.6898A>G on transcript NM_001277115.2 (MANE Select); coding-DNA position 6898, A replaced by G.
Protein change: p.Ile2300Val; replaces isoleucine 2300 with valine.
Molecular consequence: missense variant.
Genome position (GRCh38, 1-based): chr7:21,711,775, A>G. VCF-style: chr7-21711775-A-G. GRCh37 (hg19) VCF-style: chr7-21751393-A-G.
Other names: short protein forms I2300V.
Identifiers: ClinVar variation 950054 (VCV000950054.13), dbSNP rs767273694, ClinGen allele CA4181036.
Genomic context (GRCh38, chr7:21,711,775, plus strand): 5'-CTGACCCTCGCCAGCAATGAGCGCATTGCACTCACTCCCTTCATGAGGCTTCTGTTTGAG[A>G]TACATCACTTAAGGAGCGCAACCCCGGCCACTGTTTCCAGAGCTGGTATTCTGTATGTGA-3'
Protein context (NP_001264044.1, residues 2290-2310): LTPFMRLLFE[Ile2300Val]HHLRSATPAT